The following is an entry in ClinVar:

ClinVar aggregate classification (germline): Pathogenic (1 of 4 stars; one submission).

Conditions:
Inborn genetic diseases. Identifiers: MedGen C0950123, MeSH D030342.

gnomAD v4.1: 2 of 1,601,822 alleles (0.00012%); highest among the groups gnomAD compares: Non-Finnish European, 0.00017%; no homozygotes.

Submission:

Ambry Genetics
Classification: Pathogenic for Inborn genetic diseases. Last evaluated: 2022-06-06. Review status: criteria provided, single submitter. Criteria: Ambry Variant Classification Scheme 2023. Collection method: clinical testing. Allele origin: germline.
Comment: The c.2042C>G (p.S681*) alteration, located in exon 14 (coding exon 13) of the RBBP8 gene, consists of a C to G substitution at nucleotide position 2042. This changes the amino acid from a serine (S) to a stop codon at amino acid position 681. This alteration is expected to result in loss of function by premature protein truncation or nonsense-mediated mRNA decay. This variant was not reported in population-based cohorts in the Genome Aggregation Database (gnomAD). Based on the available evidence, this alteration is classified as pathogenic.

NM_002894.3(RBBP8):c.2042C>G (p.Ser681Ter)

Gene: RBBP8 (RB binding protein 8, endonuclease; plus strand). Cytogenetic location: 18q11.2.
Variant type: single nucleotide variant.
Coding change: c.2042C>G on transcript NM_002894.3 (MANE Select); coding-DNA position 2042, C replaced by G.
Protein change: p.Ser681Ter; replaces serine 681 with a stop codon.
Molecular consequence: nonsense.
Genome position (GRCh38, 1-based): chr18:22,997,633, C>G. VCF-style: chr18-22997633-C-G. GRCh37 (hg19) VCF-style: chr18-20577596-C-G.
Other names: c.2042C>G, p.Ser681Ter (NM_203291.2, NM_203292.2); short protein forms S681*.
Identifiers: ClinVar variation 2225501 (VCV002225501.2), dbSNP rs773963644, ClinGen allele CA401780680.